The following is an entry in ClinVar:

NM_032242.4(PLXNA1):c.5322G>A (p.Ser1774=)

Gene: PLXNA1 (plexin A1; plus strand). Cytogenetic location: 3q21.3.
Variant type: single nucleotide variant.
Coding change: c.5322G>A on transcript NM_032242.4 (MANE Select); coding-DNA position 5322, G replaced by A.
Protein change: p.Ser1774=; no amino-acid change (serine 1774 retained).
Molecular consequence: synonymous variant.
Genome position (GRCh38, 1-based): chr3:127,032,477, G>A. VCF-style: chr3-127032477-G-A. GRCh37 (hg19) VCF-style: chr3-126751320-G-A.
Identifiers: ClinVar variation 3353117 (VCV003353117.1).

ClinVar aggregate classification (germline): Likely benign (0 of 4 stars; one submission).

Conditions:
PLXNA1-related disorder. Also called: PLXNA1-related condition.

gnomAD v4.1: 28 of 1,613,958 alleles (0.0017%); highest among the groups gnomAD compares: Admixed American, 0.0033%; no homozygotes.

Submission:

PreventionGenetics, part of Exact Sciences
Classification: Likely benign for PLXNA1-related condition. Last evaluated: 2024-09-12. Review status: no assertion criteria provided. Collection method: clinical testing. Allele origin: germline.
Comment: This variant is classified as likely benign based on ACMG/AMP sequence variant interpretation guidelines (Richards et al. 2015 PMID: 25741868, with internal and published modifications).